The following is an entry in ClinVar:

ClinVar aggregate classification (germline): Uncertain significance (1 of 4 stars; one submission).

Conditions:
Hereditary cancer-predisposing syndrome. Also called: Hereditary Cancer Syndrome; Hereditary neoplastic syndrome; Neoplastic Syndromes, Hereditary; Tumor predisposition. Identifiers: Orphanet 140162, MedGen C0027672, MeSH D009386, MONDO:0015356.

Submissions (2):

Ambry Genetics
Classification: Uncertain significance for Hereditary cancer-predisposing syndrome. Last evaluated: 2018-04-23. Review status: criteria provided, single submitter. Criteria: Ambry General Variant Classification Scheme_2022. Collection method: clinical testing. Allele origin: germline. Observed: 1 variant allele.
Comment: The p.K32N variant (also known as c.96G>C), located in coding exon 2 of the BRCA1 gene, results from a G to C substitution at nucleotide position 96. The lysine at codon 32 is replaced by asparagine, an amino acid with similar properties. This amino acid position is highly conserved in available vertebrate species. In addition, this alteration is predicted to be tolerated by in silico analysis. Since supporting evidence is limited at this time, the clinical significance of this alteration remains unclear.

Brotman Baty Institute, University of Washington
No classification provided (evidence only). Condition: Breast-ovarian cancer, familial 1. Review status: no classification provided. Collection method: in vitro. Allele origin: not applicable. Functional consequence: functionally_normal. Not counted in ClinVar's aggregate classification.
ClinVar note: "not provided" was previously submitted as the classification for the variant. However, the classification appeared to be based only on an observation of functional data so it was converted to no classification on 2025-07-30.

NM_007294.4(BRCA1):c.96G>C (p.Lys32Asn)

Gene: BRCA1 (BRCA1 DNA repair associated; minus strand). Cytogenetic location: 17q21.31.
Variant type: single nucleotide variant.
Coding change: c.96G>C on transcript NM_007294.4 (MANE Select); coding-DNA position 96, G replaced by C.
Protein change: p.Lys32Asn; replaces lysine 32 with asparagine.
Molecular consequence: missense variant. On other transcripts: non-coding transcript variant (1), intron variant (1).
Genome position (GRCh38, 1-based): chr17:43,115,764, C>G on the plus strand (G>C on the coding strand, the complement: BRCA1 is on the minus strand). VCF-style: chr17-43115764-C-G. GRCh37 (hg19) VCF-style: chr17-41267781-C-G.
Other names: c.-46G>C (NM_001408466.1, NM_001408469.1, NM_001408470.1 and 47 more transcripts); c.-162G>C (NM_001408468.1, NM_001408501.1, NM_001407694.1 and 13 more transcripts); c.96G>C, p.Lys32Asn (NM_001408472.1, NM_001408473.1, NM_001408474.1 and 192 more transcripts); c.-93G>C (NM_001408478.1, NM_001408479.1, NM_001408480.1 and 52 more transcripts); c.-209G>C (NM_001408492.1, NM_001407889.1, NM_001407900.1); c.-208G>C (NM_001408510.1, NM_001408512.1, NM_001407960.1 and 1 more transcripts); c.-8+8253G>C (NM_007297.4); c.-166G>C (NM_001407695.1, NM_001408465.1); and 2 more; short protein forms K32N.
Identifiers: ClinVar variation 823423 (VCV000823423.6), dbSNP rs1597912013, ClinGen allele CA10601961.
Genomic context (GRCh38, chr17:43,115,764, plus strand): 5'-CACATAACACATTCAAACTTACTTGCAAAATATGTGGTCACACTTTGTGGAGACAGGTTC[C>G]TTGATCAACTCCAGACTAGCAGGGTAGGGGGGGAGAAAAAGAAAATAAATGAGGCTCAAT-3'
Protein context (NP_009225.1, residues 22-42): LECPICLELI[Lys32Asn]EPVSTKCDHI